The following is an entry in ClinVar:

NM_002878.4(RAD51D):c.29del (p.Pro10fs)

Genes: RAD51L3-RFFL (RAD51L3-RFFL readthrough; minus strand), RAD51D (RAD51 paralog D; minus strand). Cytogenetic location: 17q12.
Variant type: Deletion.
Coding change: c.29del on transcript NM_002878.4 (MANE Select); coding-DNA position 29, one base deleted (C; older notation c.29delC).
Protein change: p.Pro10fs; shifts the reading frame from proline 10.
Molecular consequence: frameshift variant. On other transcripts: non-coding transcript variant (2).
Genome position (GRCh38, 1-based): chr17:35,119,585, G deleted on the plus strand (C on the coding strand, the reverse complement: RAD51D is on the minus strand); the first of 3 consecutive G bases (chr17:35,119,585-35,119,587); deleting any one gives the same sequence. VCF-style (leftmost placement, unchanged base first): chr17-35119584-AG-A. GRCh37 (hg19) VCF-style: chr17-33446603-AG-A.
Other names: c.29del, p.Pro10fs (NM_001142571.2, NM_133629.3); short protein forms P10fs.
Identifiers: ClinVar variation 3148325 (VCV003148325.1), dbSNP rs2509189180, ClinGen allele CA2637247788.

ClinVar aggregate classification (germline): Pathogenic (1 of 4 stars; one submission).

Conditions:
Breast-ovarian cancer, familial, susceptibility to, 4. Identifiers: Orphanet 145, MedGen C3280345, MONDO:0013669, OMIM 614291.

Submission:

Myriad Genetics, Inc.
Classification: Pathogenic for Breast-ovarian cancer, familial, susceptibility to, 4. Last evaluated: 2024-01-03. Review status: criteria provided, single submitter. Criteria: Myriad Autosomal Dominant, Autosomal Recessive and X-Linked Classification Criteria (2023). Collection method: clinical testing. Allele origin: unknown.
Comment: This variant is considered pathogenic. This variant creates a frameshift predicted to result in premature protein truncation.